The following is an entry in ClinVar:

NM_000465.4(BARD1):c.1331T>G (p.Val444Gly)

Gene: BARD1 (BRCA1 associated RING domain 1; minus strand). Cytogenetic location: 2q35.
Variant type: single nucleotide variant.
Coding change: c.1331T>G on transcript NM_000465.4 (MANE Select); coding-DNA position 1331, T replaced by G.
Protein change: p.Val444Gly; replaces valine 444 with glycine.
Molecular consequence: missense variant. On other transcripts: non-coding transcript variant (3), intron variant (3).
Genome position (GRCh38, 1-based): chr2:214,769,296, A>C on the plus strand (T>G on the coding strand, the complement: BARD1 is on the minus strand). VCF-style: chr2-214769296-A-C. GRCh37 (hg19) VCF-style: chr2-215634020-A-C.
Other names: c.1274T>G, p.Val425Gly (NM_001282543.2); c.159-16741T>G (NM_001282548.2); c.216-16741T>G (NM_001282545.2); c.364+23001T>G (NM_001282549.2); short protein forms V425G, V444G.
Identifiers: ClinVar variation 818965 (VCV000818965.16), dbSNP rs1326325978, ClinGen allele CA350450486.

ClinVar aggregate classification (germline): Uncertain significance. Review status: criteria provided, multiple submitters, no conflicts (2 of 4 stars). 2 submissions from 2 submitters: Uncertain significance (2). Last evaluated 2025-12-10.

Conditions:
Familial cancer of breast. Also called: hereditary breast carcinoma; Hereditary breast cancer; BREAST CANCER, FAMILIAL. Identifiers: Orphanet 227535, MedGen C0346153, MONDO:0016419, OMIM 114480. Disease mechanism: loss of function.
Hereditary cancer-predisposing syndrome. Also called: Tumor predisposition; Hereditary neoplastic syndrome; Neoplastic Syndromes, Hereditary; Hereditary Cancer Syndrome. Identifiers: Orphanet 140162, MedGen C0027672, MeSH D009386, MONDO:0015356.

Allele frequency attached by ClinVar (database versions not stated): gnomAD exomes below 0.00001; gnomAD 0.00001; TOPMed 0.00001.
gnomAD v4.1: 2 of 1,613,276 alleles (0.00012%); highest among the groups gnomAD compares: Non-Finnish European, 0.00017%; no homozygotes.

Submissions (2):

Ambry Genetics
Classification: Uncertain significance for Hereditary cancer-predisposing syndrome. Last evaluated: 2025-12-10. Review status: criteria provided, single submitter. Criteria: Ambry Variant Classification Scheme 2023. Collection method: clinical testing. Allele origin: germline.
Comment: The p.V444G variant (also known as c.1331T>G), located in coding exon 5 of the BARD1 gene, results from a T to G substitution at nucleotide position 1331. The valine at codon 444 is replaced by glycine, an amino acid with dissimilar properties. This amino acid position is highly conserved in available vertebrate species. In addition, this alteration is predicted to be deleterious by in silico analysis. Since supporting evidence is limited at this time, the clinical significance of this alteration remains unclear.

Labcorp Genetics (formerly Invitae), Labcorp
Classification: Uncertain significance for Familial cancer of breast. Last evaluated: 2025-01-17. Review status: criteria provided, single submitter. Criteria: Invitae Variant Classification Sherloc (09022015). Collection method: clinical testing. Allele origin: germline.
Comment: This sequence change replaces valine, which is neutral and non-polar, with glycine, which is neutral and non-polar, at codon 444 of the BARD1 protein (p.Val444Gly). This variant is not present in population databases (gnomAD no frequency). This variant has not been reported in the literature in individuals affected with BARD1-related conditions. ClinVar contains an entry for this variant (Variation ID: 818965). An algorithm developed to predict the effect of missense changes on protein structure and function (PolyPhen-2) suggests that this variant is likely to be disruptive. In summary, the available evidence is currently insufficient to determine the role of this variant in disease. Therefore, it has been classified as a Variant of Uncertain Significance.